The following is an entry in ClinVar:

ClinVar aggregate classification (germline): Uncertain significance (0 of 4 stars; one submission).

Conditions:
PPARG-related disorder. Also called: PPARG-related condition; PPARG-related disorders.

Submission:

PreventionGenetics, part of Exact Sciences
Classification: Uncertain significance for PPARG-related condition. Last evaluated: 2024-06-28. Review status: no assertion criteria provided. Collection method: clinical testing. Allele origin: germline.
Comment: The PPARG c.61C>G variant is predicted to result in the amino acid substitution p.Leu21Val. To our knowledge, this variant has not been reported in the literature or in a large population database, indicating this variant is rare. At this time, the clinical significance of this variant is uncertain due to the absence of conclusive functional and genetic evidence.

NM_138711.6(PPARG):c.-8-28051C>G

Gene: PPARG (peroxisome proliferator activated receptor gamma; plus strand). Cytogenetic location: 3p25.2.
Variant type: single nucleotide variant.
Coding change: c.-8-28051C>G on transcript NM_138711.6 (MANE Select); 28051 bases into the intron before 8 bases upstream of the start codon, C replaced by G.
Molecular consequence: intron variant. On other transcripts: missense variant (3).
Genome position (GRCh38, 1-based): chr3:12,351,653, C>G. VCF-style: chr3-12351653-C-G. GRCh37 (hg19) VCF-style: chr3-12393152-C-G.
Other names: c.61C>G, p.Leu21Val (NM_001354668.2, NM_001374265.1, NM_015869.5); c.-8-28051C>G (NM_001354666.3, NM_138712.5, NM_005037.7 and 5 more transcripts); c.-435-28051C>G (NM_001354669.2); c.-9+6759C>G (NM_001374262.3); c.-2-28051C>G (NM_001374266.1, NM_001354670.2); short protein forms L21V.
Identifiers: ClinVar variation 3344158 (VCV003344158.1).